The following is an entry in ClinVar:

NM_004999.4(MYO6):c.3704G>T (p.Gly1235Val)

Gene: MYO6 (myosin VI; plus strand). Cytogenetic location: 6q14.1.
Variant type: single nucleotide variant.
Coding change: c.3704G>T on transcript NM_004999.4 (MANE Select); coding-DNA position 3704, G replaced by T.
Protein change: p.Gly1235Val; replaces glycine 1235 with valine.
Molecular consequence: missense variant. On other transcripts: non-coding transcript variant (1).
Genome position (GRCh38, 1-based): chr6:75,914,858, G>T. VCF-style: chr6-75914858-G-T. GRCh37 (hg19) VCF-style: chr6-76624575-G-T.
Other names: c.3635G>T, p.Gly1212Val (NM_001300899.2); c.3608G>T, p.Gly1203Val (NM_001368136.1); c.3665G>T, p.Gly1222Val (NM_001368137.1); c.3620G>T, p.Gly1207Val (NM_001368138.1); c.3731G>T, p.Gly1244Val (NM_001368865.1); c.3704G>T, p.Gly1235Val (NM_001368866.1); short protein forms G1203V, G1207V, G1212V, G1222V, G1235V, G1244V.
Identifiers: ClinVar variation 1214951 (VCV001214951.10), dbSNP rs199728355, ClinGen allele CA3897798.

ClinVar aggregate classification (germline): Uncertain significance. Review status: criteria provided, multiple submitters, no conflicts (2 of 4 stars). 2 submissions from 2 submitters: Uncertain significance (2). Last evaluated 2025-05-21.

Allele frequency attached by ClinVar (database versions not stated): gnomAD 0.00001; ExAC 0.00002; gnomAD exomes 0.00003 and 0.00006; TOPMed 0.00003.
gnomAD v4.1: 18 of 1,614,014 alleles (0.0011%); highest among the groups gnomAD compares: Admixed American, 0.03%; no homozygotes.

Submissions (2):

GeneDx
Classification: Uncertain significance. Last evaluated: 2025-05-21. Review status: criteria provided, single submitter. Criteria: GeneDx Variant Classification Process June 2021. Collection method: clinical testing. Allele origin: germline. Affected: yes.
Comment: In silico analysis supports that this missense variant has a deleterious effect on protein structure/function; Has not been previously published as pathogenic or benign to our knowledge

Labcorp Genetics (formerly Invitae), Labcorp
Classification: Uncertain significance. Last evaluated: 2025-01-24. Review status: criteria provided, single submitter. Criteria: Invitae Variant Classification Sherloc (09022015). Collection method: clinical testing. Allele origin: germline.
Comment: This sequence change replaces glycine, which is neutral and non-polar, with valine, which is neutral and non-polar, at codon 1235 of the MYO6 protein (p.Gly1235Val). This variant is present in population databases (rs199728355, gnomAD 0.04%). This variant has not been reported in the literature in individuals affected with MYO6-related conditions. ClinVar contains an entry for this variant (Variation ID: 1214951). Invitae Evidence Modeling of protein sequence and biophysical properties (such as structural, functional, and spatial information, amino acid conservation, physicochemical variation, residue mobility, and thermodynamic stability) has been performed for this missense variant. However, the output from this modeling did not meet the statistical confidence thresholds required to predict the impact of this variant on MYO6 protein function. In summary, the available evidence is currently insufficient to determine the role of this variant in disease. Therefore, it has been classified as a Variant of Uncertain Significance.